The following is an entry in ClinVar:

ClinVar aggregate classification (germline): Uncertain significance. Review status: reviewed by expert panel (3 of 4 stars). 2 submissions from 2 submitters: Uncertain significance (1). 1 of the submissions does not count toward it. Last evaluated 2024-11-13.

Conditions:
Hereditary thrombocytopenia and hematologic cancer predisposition syndrome. Identifiers: Orphanet 71290, MedGen CN281654, MONDO:0011071.
Hereditary thrombocytopenia and hematological cancer predisposition syndrome associated with RUNX1. Also called: PLATELET DISORDER, ASPIRIN-LIKE; RUNX1 Familial Platelet Disorder with Associated Myeloid Malignancies; Familial Platelet Disorder with Propensity to Acute Myelogenous Leukemia; Familial thrombocytopenia with propensity to acute myelogenous leukemia. Identifiers: Orphanet 71290, MedGen C1832388, MeSH C563324, MONDO:0100083, OMIM 601399.

Allele frequency attached by ClinVar (database versions not stated): gnomAD 0.00004; TOPMed 0.00008; gnomAD exomes 0.00009.
gnomAD v4.1: 13 of 233,186 alleles (0.0056%); highest among the groups gnomAD compares: African/African-American, 0.0088%; no homozygotes.

Submissions (2):

ClinGen Myeloid Malignancy Variant Curation Expert Panel
Classification: Uncertain significance for Hereditary thrombocytopenia and hematologic cancer predisposition syndrome. Last evaluated: 2024-11-13. Review status: reviewed by expert panel. Criteria: ClinGen MyeloMalig ACMG Specifications v2. Collection method: curation. Allele origin: germline. Inheritance: Autosomal dominant inheritance.
Comment: NM_001754.5(RUNX1):c.*3229C>T is a 3' UTR variant which does not meet any ACMG/AMP criteria. In summary, the clinical significance of this variant is uncertain. ACMG/AMP criteria applied, as specified by the Myeloid Malignancy Variant Curation Expert Panel for RUNX1: None.

Illumina Laboratory Services, Illumina
Classification: Uncertain significance for Hereditary thrombocytopenia and hematological cancer predisposition syndrome associated with RUNX1. Last evaluated: 2018-01-12. Review status: criteria provided, single submitter. Criteria: ICSL Variant Classification Criteria 13 December 2019. Collection method: clinical testing. Allele origin: germline. Not counted in ClinVar's aggregate classification.

NM_001754.5(RUNX1):c.*3229C>T

Gene: RUNX1 (RUNX family transcription factor 1; minus strand). Cytogenetic location: 21q22.12.
Variant type: single nucleotide variant.
Coding change: c.*3229C>T on transcript NM_001754.5 (MANE Select); 3229 bases downstream of the stop codon, C replaced by T.
Molecular consequence: 3 prime UTR variant.
Genome position (GRCh38, 1-based): chr21:34,788,906, G>A on the plus strand (C>T on the coding strand, the complement: RUNX1 is on the minus strand). VCF-style: chr21-34788906-G-A. GRCh37 (hg19) VCF-style: chr21-36161203-G-A.
Other names: c.*3229C>T (NM_001001890.3).
Identifiers: ClinVar variation 339813 (VCV000339813.7), dbSNP rs886057032, ClinGen allele CA10653550.